The following is an entry in ClinVar:

ClinVar aggregate classification (germline): Likely benign. Review status: criteria provided, multiple submitters, no conflicts (2 of 4 stars). 2 submissions from 2 submitters: Likely benign (2). Last evaluated 2026-03-11.

Conditions:
PLEC-related disorder. Also called: PLEC-related condition; PLEC-related disorders.
Epidermolysis bullosa simplex, Ogna type (EBS5A). Also called: Pidermolysis bullosa simplex 5A, Ogna type; EPIDERMOLYSIS BULLOSA SIMPLEX 5A, OGNA TYPE. Identifiers: Orphanet 79401, MedGen C0432317, MONDO:0007555, OMIM 131950.
Autosomal recessive limb-girdle muscular dystrophy type 2Q (LGMDR17). Also called: MUSCULAR DYSTROPHY, LIMB-GIRDLE, AUTOSOMAL RECESSIVE 17. Identifiers: Orphanet 254361, MedGen C3150989, MONDO:0013390, OMIM 613723.
Epidermolysis bullosa simplex with nail dystrophy (EBS5D). Identifiers: MedGen C4225309, MONDO:0014661, OMIM 616487.
Epidermolysis bullosa simplex 5C, with pyloric atresia (EBS5C). Also called: PLEC-Related Epidermolysis Bullosa with Pyloric Atresia; Epidermolysis bullosa simplex with pyloric atresia; PLEC1-Related Epidermolysis Bullosa with Pyloric Atresia. Identifiers: Orphanet 158684, MedGen C2677349, MONDO:0012807, OMIM 612138.
Epidermolysis bullosa simplex 5B, with muscular dystrophy (EBS5B). Also called: Epidermolysis bullosa simplex with muscular dystrophy; EPIDERMOLYSIS BULLOSA SIMPLEX AND LIMB-GIRDLE MUSCULAR DYSTROPHY. Identifiers: Orphanet 257, MedGen C2931072, MONDO:0009181, OMIM 226670.

Allele frequency attached by ClinVar (database versions not stated): gnomAD exomes below 0.00001; TOPMed below 0.00001.
gnomAD v4.1: 4 of 1,560,342 alleles (0.00026%); highest among the groups gnomAD compares: East Asian, 0.0024%; no homozygotes.

Submissions (2):

PreventionGenetics, part of Exact Sciences
Classification: Likely benign for PLEC-related condition. Last evaluated: 2026-03-11. Review status: criteria provided, single submitter. Criteria: ACMG Guidelines, 2015. Collection method: clinical testing. Allele origin: germline.
Comment: This variant is classified as likely benign based on ACMG/AMP sequence variant interpretation guidelines (Richards et al. 2015 PMID: 25741868, with internal and published modifications).

Labcorp Genetics (formerly Invitae), Labcorp
Classification: Likely benign for Autosomal recessive limb-girdle muscular dystrophy type 2Q; Epidermolysis bullosa simplex, Ogna type; Epidermolysis bullosa simplex with nail dystrophy; Epidermolysis bullosa simplex 5C, with pyloric atresia; Epidermolysis bullosa simplex 5B, with muscular dystrophy. Last evaluated: 2023-10-24. Review status: criteria provided, single submitter. Criteria: Invitae Variant Classification Sherloc (09022015). Collection method: clinical testing. Allele origin: germline.

NM_201384.3(PLEC):c.3081+8C>A

Gene: PLEC (plectin; minus strand). Cytogenetic location: 8q24.3.
Variant type: single nucleotide variant.
Coding change: c.3081+8C>A on transcript NM_201384.3 (MANE Select); 8 bases into the intron after coding-DNA position 3081, C replaced by A.
Molecular consequence: intron variant.
Genome position (GRCh38, 1-based): chr8:143,929,406, G>T on the plus strand (C>A on the coding strand, the complement: PLEC is on the minus strand). VCF-style: chr8-143929406-G-T. GRCh37 (hg19) VCF-style: chr8-145003574-G-T.
Other names: c.3162+8C>A (NM_000445.4, NM_001410941.1, NM_000445.5); c.3039+8C>A (NM_201378.4); c.3015+8C>A (NM_201379.3); c.3492+8C>A (NM_201380.4); c.2985+8C>A (NM_201381.3); c.3081+8C>A (NM_201382.4); c.3093+8C>A (NM_201383.3).
Identifiers: ClinVar variation 2934149 (VCV002934149.4), dbSNP rs1554710821, ClinGen allele CA586158384.
Genomic context (GRCh38, chr8:143,929,406, plus strand): 5'-CAAAGGAGGGAGGGTGGGAGGAGGGATGGGGAGAGGGATGGGACTGGATGGGGGGGGACG[G>T]CCCCTGCCTGCTGCTCGGCGATGCGCTGGGCACACTCCCGTGCCGGCTCTTTGTCCAGCG-3'